The following is an entry in ClinVar:

NM_000540.3(RYR1):c.3351C>T (p.Asp1117=)

Gene: RYR1 (ryanodine receptor 1; plus strand). Cytogenetic location: 19q13.2.
Variant type: single nucleotide variant.
Coding change: c.3351C>T on transcript NM_000540.3 (MANE Select); coding-DNA position 3351, C replaced by T.
Protein change: p.Asp1117=; no amino-acid change (aspartic acid 1117 retained).
Molecular consequence: synonymous variant.
Genome position (GRCh38, 1-based): chr19:38,467,782, C>T. VCF-style: chr19-38467782-C-T. GRCh37 (hg19) VCF-style: chr19-38958422-C-T.
Other names: c.3351C>T, p.Asp1117= (NM_001042723.2).
Identifiers: ClinVar variation 1153872 (VCV001153872.12), dbSNP rs151182947, ClinGen allele CA064705.

ClinVar aggregate classification (germline): Likely benign. Review status: criteria provided, multiple submitters, no conflicts (2 of 4 stars). 4 submissions from 4 submitters: Likely benign (4). Last evaluated 2025-10-26.

Conditions:
Malignant hyperthermia, susceptibility to, 1 (MHS1). Also called: RYR1-Related Malignant Hyperthermia Susceptibility; Malignant hyperthermia suceptibility 1; Anesthesia related hyperthermia; Malignant hyperpyrexia; Fulminating hyperpyrexia; Pharmacogenic myopathy. Identifiers: Orphanet 423, MedGen C2930980, MONDO:0007783, OMIM 145600.
RYR1-related disorder. Also called: RYR1-related disorders; RYR1-related condition. Identifiers: MedGen CN239331.

Allele frequency attached by ClinVar (database versions not stated): gnomAD exomes 0.00002 and 0.00004; ExAC 0.00004; gnomAD 0.00008 and 0.00009; TOPMed 0.00011; ESP Exome Variant Server 0.00023.
gnomAD v4.1: 46 of 1,614,026 alleles (0.0029%); highest among the groups gnomAD compares: African/African-American, 0.017%; no homozygotes.

Submissions (4):

Labcorp Genetics (formerly Invitae), Labcorp
Classification: Likely benign for RYR1-related disorder. Last evaluated: 2025-10-26. Review status: criteria provided, single submitter. Criteria: Invitae Variant Classification Sherloc (09022015). Collection method: clinical testing. Allele origin: germline.

Blueprint Genetics
Classification: Likely benign. Last evaluated: 2024-06-10. Review status: criteria provided, single submitter. Criteria: ACMG Guidelines, 2015. Collection method: clinical testing. Allele origin: germline.

All of Us Research Program, National Institutes of Health
Classification: Likely benign for Malignant hyperthermia, susceptibility to, 1. Last evaluated: 2024-02-05. Review status: criteria provided, single submitter. Criteria: ACMG Guidelines, 2015. Collection method: clinical testing. Allele origin: germline. Inheritance: Autosomal dominant inheritance. Observed: 16 variant alleles, 16 heterozygotes.
Comment: This study involves interpretation of variants in research participants for the purpose of population health screening. Participant phenotype was not available at the time of variant classification. Additional details can be found in publication PMID: 35346344, PMCID: PMC8962531

Color Diagnostics, LLC DBA Color Health
Classification: Likely benign for Malignant hyperthermia, susceptibility to, 1. Last evaluated: 2022-11-06. Review status: criteria provided, single submitter. Criteria: ACMG Guidelines, 2015. Collection method: clinical testing. Allele origin: germline.